The following is an entry in ClinVar:

NM_177438.3(DICER1):c.5375C>T (p.Ser1792Phe)

Gene: DICER1 (dicer 1, ribonuclease III; minus strand). Cytogenetic location: 14q32.13.
Variant type: single nucleotide variant.
Coding change: c.5375C>T on transcript NM_177438.3 (MANE Select); coding-DNA position 5375, C replaced by T.
Protein change: p.Ser1792Phe; replaces serine 1792 with phenylalanine.
Molecular consequence: missense variant. On other transcripts: non-coding transcript variant (6), intron variant (1).
Genome position (GRCh38, 1-based): chr14:95,091,355, G>A on the plus strand (C>T on the coding strand, the complement: DICER1 is on the minus strand). VCF-style: chr14-95091355-G-A. GRCh37 (hg19) VCF-style: chr14-95557692-G-A.
Other names: c.5375C>T, p.Ser1792Phe (NM_001271282.3, NM_001291628.2, NM_001395677.1 and 7 more transcripts); c.5093C>T, p.Ser1698Phe (NM_001395686.1); c.4970C>T, p.Ser1657Phe (NM_001395687.1, NM_001395688.1, NM_001395689.1 and 1 more transcripts); c.4808C>T, p.Ser1603Phe (NM_001395691.1); c.3692C>T, p.Ser1231Phe (NM_001395697.1); c.5365-246C>T (NM_001195573.1); short protein forms S1231F, S1657F, S1603F, S1792F, S1698F.
Identifiers: ClinVar variation 4746828 (VCV004746828.1).

ClinVar aggregate classification (germline): Uncertain significance (1 of 4 stars; one submission).

Conditions:
DICER1-related tumor predisposition. Also called: DICER1-related pleuropulmonary blastoma cancer predisposition syndrome; DICER1 syndrome. Identifiers: Orphanet 284343, MedGen C3839822, MONDO:0100216.

Submission:

Labcorp Genetics (formerly Invitae), Labcorp
Classification: Uncertain significance for DICER1-related tumor predisposition. Last evaluated: 2025-04-18. Review status: criteria provided, single submitter. Criteria: Invitae Variant Classification Sherloc (09022015). Collection method: clinical testing. Allele origin: germline.
Comment: This sequence change replaces serine, which is neutral and polar, with phenylalanine, which is neutral and non-polar, at codon 1792 of the DICER1 protein (p.Ser1792Phe). This variant is not present in population databases (gnomAD no frequency). This variant has not been reported in the literature in individuals affected with DICER1-related conditions. Invitae Evidence Modeling of protein sequence and biophysical properties (such as structural, functional, and spatial information, amino acid conservation, physicochemical variation, residue mobility, and thermodynamic stability) indicates that this missense variant is not expected to disrupt DICER1 protein function with a negative predictive value of 95%. In summary, the available evidence is currently insufficient to determine the role of this variant in disease. Therefore, it has been classified as a Variant of Uncertain Significance.